The following is an entry in ClinVar:

NM_182914.3(SYNE2):c.16771G>A (p.Gly5591Arg)

Gene: SYNE2 (spectrin repeat containing nuclear envelope protein 2; plus strand). Cytogenetic location: 14q23.2.
Variant type: single nucleotide variant.
Coding change: c.16771G>A on transcript NM_182914.3 (MANE Select); coding-DNA position 16771, G replaced by A.
Protein change: p.Gly5591Arg; replaces glycine 5591 with arginine.
Molecular consequence: missense variant.
Genome position (GRCh38, 1-based): chr14:64,167,505, G>A. VCF-style: chr14-64167505-G-A. GRCh37 (hg19) VCF-style: chr14-64634223-G-A.
Other names: c.16771G>A, p.Gly5591Arg (NM_015180.6); short protein forms G5591R.
Identifiers: ClinVar variation 1348686 (VCV001348686.8), dbSNP rs979226241, ClinGen allele CA261831136.

ClinVar aggregate classification (germline): Uncertain significance (1 of 4 stars; one submission).

Conditions:
Emery-Dreifuss muscular dystrophy 5, autosomal dominant (EDMD5). Also called: EMERY-DREIFUSS MUSCULAR DYSTROPHY 5. Identifiers: Orphanet 261, MedGen C2751805, MONDO:0013072, OMIM 612999.

Allele frequency attached by ClinVar (database versions not stated): gnomAD 0.00001.
gnomAD v4.1: 1 of 1,614,078 alleles (0.000062%); highest among the groups gnomAD compares: Admixed American, 0.0017%; no homozygotes.

Submission:

Labcorp Genetics (formerly Invitae), Labcorp
Classification: Uncertain significance for Emery-Dreifuss muscular dystrophy 5, autosomal dominant. Last evaluated: 2022-03-18. Review status: criteria provided, single submitter. Criteria: Invitae Variant Classification Sherloc (09022015). Collection method: clinical testing. Allele origin: germline.
Comment: This sequence change replaces glycine, which is neutral and non-polar, with arginine, which is basic and polar, at codon 5591 of the SYNE2 protein (p.Gly5591Arg). This variant is not present in population databases (gnomAD no frequency). This variant has not been reported in the literature in individuals affected with SYNE2-related conditions. Algorithms developed to predict the effect of missense changes on protein structure and function are either unavailable or do not agree on the potential impact of this missense change (SIFT: "Deleterious"; PolyPhen-2: "Probably Damaging"; Align-GVGD: "Class C0"). In summary, the available evidence is currently insufficient to determine the role of this variant in disease. Therefore, it has been classified as a Variant of Uncertain Significance.